The following is an entry in ClinVar:

NM_015346.4(ZFYVE26):c.3596T>A (p.Leu1199His)

Gene: ZFYVE26 (zinc finger FYVE-type containing 26; minus strand). Cytogenetic location: 14q24.1.
Variant type: single nucleotide variant.
Coding change: c.3596T>A on transcript NM_015346.4 (MANE Select); coding-DNA position 3596, T replaced by A.
Protein change: p.Leu1199His; replaces leucine 1199 with histidine.
Molecular consequence: missense variant.
Genome position (GRCh38, 1-based): chr14:67,784,364, A>T on the plus strand (T>A on the coding strand, the complement: ZFYVE26 is on the minus strand). VCF-style: chr14-67784364-A-T. GRCh37 (hg19) VCF-style: chr14-68251081-A-T.
Other names: p.Leu1199His; short protein forms L1199H.
Identifiers: ClinVar variation 4541873 (VCV004541873.1).

ClinVar aggregate classification (germline): Uncertain significance (1 of 4 stars; one submission).

gnomAD v4.1: 1 of 1,614,108 alleles (0.000062%); highest among the groups gnomAD compares: Non-Finnish European, 0.000085%; no homozygotes.

Submission:

Mayo Clinic Laboratories, Mayo Clinic
Classification: Uncertain significance. Last evaluated: 2025-11-21. Review status: criteria provided, single submitter. Criteria: ACMG Guidelines, 2015. Collection method: clinical testing. Allele origin: germline. Observed: 1 variant allele.
Comment: PM2_supporting